The following is an entry in ClinVar:

ClinVar aggregate classification (germline): Uncertain significance (1 of 4 stars; one submission).

Conditions:
Early-infantile DEE. Also called: Early infantile epileptic encephalopathy; Ohtahara syndrome; Early infantile epileptic encephalopathy with suppression bursts. Identifiers: Orphanet 1934, MedGen C0393706, MONDO:0800491.

Allele frequency attached by ClinVar (database versions not stated): gnomAD exomes 0.00001.
gnomAD v4.1: 5 of 1,614,162 alleles (0.00031%); highest among the groups gnomAD compares: Non-Finnish European, 0.00042%; no homozygotes.

Submission:

Labcorp Genetics (formerly Invitae), Labcorp
Classification: Uncertain significance for Early-infantile DEE. Last evaluated: 2022-06-12. Review status: criteria provided, single submitter. Criteria: Invitae Variant Classification Sherloc (09022015). Collection method: clinical testing. Allele origin: germline.
Comment: In summary, the available evidence is currently insufficient to determine the role of this variant in disease. Therefore, it has been classified as a Variant of Uncertain Significance. Algorithms developed to predict the effect of sequence changes on RNA splicing suggest that this variant may create or strengthen a splice site. Algorithms developed to predict the effect of missense changes on protein structure and function are either unavailable or do not agree on the potential impact of this missense change (SIFT: "Deleterious"; PolyPhen-2: "Probably Damaging"; Align-GVGD: "Class C0"). ClinVar contains an entry for this variant (Variation ID: 664320). This variant has not been reported in the literature in individuals affected with KCNH5-related conditions. This variant is not present in population databases (gnomAD no frequency). This sequence change replaces aspartic acid, which is acidic and polar, with glycine, which is neutral and non-polar, at codon 862 of the KCNH5 protein (p.Asp862Gly).

NM_139318.5(KCNH5):c.2585A>G (p.Asp862Gly)

Gene: KCNH5 (potassium voltage-gated channel subfamily H member 5; minus strand). Cytogenetic location: 14q23.2.
Variant type: single nucleotide variant.
Coding change: c.2585A>G on transcript NM_139318.5 (MANE Select); coding-DNA position 2585, A replaced by G.
Protein change: p.Asp862Gly; replaces aspartic acid 862 with glycine.
Molecular consequence: missense variant. On other transcripts: 3 prime UTR variant (1).
Genome position (GRCh38, 1-based): chr14:62,707,890, T>C on the plus strand (A>G on the coding strand, the complement: KCNH5 is on the minus strand). VCF-style: chr14-62707890-T-C. GRCh37 (hg19) VCF-style: chr14-63174608-T-C.
Other names: c.*552A>G (NM_172375.3); short protein forms D862G.
Identifiers: ClinVar variation 664320 (VCV000664320.9), dbSNP rs1595587388, ClinGen allele CA390100278.